The following is an entry in ClinVar:

NM_000350.3(ABCA4):c.3994C>T (p.Gln1332Ter)

Gene: ABCA4 (ATP binding cassette subfamily A member 4; minus strand). Cytogenetic location: 1p22.1.
Variant type: single nucleotide variant.
Coding change: c.3994C>T on transcript NM_000350.3 (MANE Select); coding-DNA position 3994, C replaced by T.
Protein change: p.Gln1332Ter; replaces glutamine 1332 with a stop codon.
Molecular consequence: nonsense.
Genome position (GRCh38, 1-based): chr1:94,031,912, G>A on the plus strand (C>T on the coding strand, the complement: ABCA4 is on the minus strand). VCF-style: chr1-94031912-G-A. GRCh37 (hg19) VCF-style: chr1-94497468-G-A.
Other names: NM_000350.3(ABCA4):c.3994C>T; p.Gln1332Ter; c.3772C>T, p.Gln1258Ter (NM_001425324.1); short protein forms Q1332*, Q1258*.
Identifiers: ClinVar variation 99249 (VCV000099249.51), dbSNP rs61752428, ClinGen allele CA227152.

ClinVar aggregate classification (germline): Pathogenic. Review status: reviewed by expert panel (3 of 4 stars). 6 submissions from 6 submitters: Pathogenic (1). 5 of the submissions do not count toward it. Last evaluated 2025-12-05.

Conditions:
ABCA4-related retinopathy. Also called: ABCA4-related retinoapthy; ABCA4 retinoapthy. Identifiers: MedGen CN322612, MONDO:0800406.
ABCA4-related disorder. Also called: ABCA4-related condition; ABCA4-related disorders. Identifiers: MedGen CN239167.
Retinal dystrophy. Also called: Inherited retinal dystrophy. Identifiers: Orphanet 71862, MedGen C0854723, MeSH D058499, MONDO:0019118, HP:0000556.

Allele frequency attached by ClinVar (database versions not stated): gnomAD 0.00001; gnomAD exomes below 0.00001; TOPMed below 0.00001.
gnomAD v4.1: 2 of 1,614,046 alleles (0.00012%); highest among the groups gnomAD compares: Non-Finnish European, 0.00017%; no homozygotes.

Submissions (6):

ClinGen ABCA4 Variant Curation Expert Panel, Clingen
Classification: Pathogenic for ABCA4-related retinopathy. Last evaluated: 2025-12-05. Review status: reviewed by expert panel. Criteria: ClinGen ABCA4 ACMG Specifications V1.0.0. Collection method: curation. Allele origin: germline. Inheritance: Autosomal recessive inheritance.
Comment: The NM_000350.3(ABCA4):c.3994C>T; p.Gln1332Ter variant in ABCA4 is a nonsense variant predicted to cause a premature stop codon in biologically relevant exon 27/50 leading to nonsense mediated decay in a gene in which loss-of-function is an established disease mechanism (PVS1). The total minor allele frequency in gnomAD v4.1.0 is 0.000001239 (2/1614046 alleles), which is lower than the ClinGen ABCA4 VCEP’s threshold for PM2_Supporting (<0.0001). The prevalence of the variant in affected individuals is significantly increased compared with the prevalence in controls with an OR of infinity and the CI is 2.24-infinity, which is above the ABCA4 VCEP threshold of ≥5 where the CI does not contain 1 (PS4; PMID: 35120629). In summary, this variant meets the criteria to be classified as pathogenic for ABCA4-related retinopathy based on the ACMG/AMP criteria applied, as specified by the ClinGen ABCA4 VCEP (Specification Version 1): PVS1, PS4, PM2_Supporting.

Labcorp Genetics (formerly Invitae), Labcorp
Classification: Pathogenic. Last evaluated: 2023-08-10. Review status: criteria provided, single submitter. Criteria: Invitae Variant Classification Sherloc (09022015). Collection method: clinical testing. Allele origin: germline. Not counted in ClinVar's aggregate classification.
Comment: This variant has not been reported in the literature in individuals affected with ABCA4-related conditions. For these reasons, this variant has been classified as Pathogenic. ClinVar contains an entry for this variant (Variation ID: 99249). This variant is not present in population databases (gnomAD no frequency). This sequence change creates a premature translational stop signal (p.Gln1332*) in the ABCA4 gene. It is expected to result in an absent or disrupted protein product. Loss-of-function variants in ABCA4 are known to be pathogenic (PMID: 10958761, 24938718, 25312043, 26780318).

CeGaT Center for Human Genetics Tuebingen
Classification: Pathogenic. Last evaluated: 2019-04-01. Review status: criteria provided, single submitter. Criteria: CeGaT Center For Human Genetics Tuebingen Variant Classification Criteria Version 2. Collection method: clinical testing. Allele origin: germline. Affected: yes. Observed: 1 variant allele. Not counted in ClinVar's aggregate classification.

Blueprint Genetics
Classification: Likely pathogenic for ABCA4-related disorders. Last evaluated: 2019-01-27. Review status: criteria provided, single submitter. Criteria: ACMG Guidelines, 2015. Collection method: clinical testing. Allele origin: germline. Affected: yes. Observed: 1 variant allele. Not counted in ClinVar's aggregate classification.

Institute of Human Genetics, Univ. Regensburg, Univ. Regensburg
Classification: Pathogenic for Retinal dystrophy. Last evaluated: 2018-01-01. Review status: criteria provided, single submitter. Criteria: ACMG Guidelines, 2015. Collection method: clinical testing. Allele origin: germline. Affected: yes. Not counted in ClinVar's aggregate classification.

Retina International
No classification provided. Review status: no classification provided. Collection method: not provided. Allele origin: not provided. Not counted in ClinVar's aggregate classification.

Literature cited by the submitters: PubMed 10958761 (cited by Labcorp Genetics (formerly Invitae), Labcorp); PubMed 24938718 (cited by Labcorp Genetics (formerly Invitae), Labcorp); PubMed 25312043 (cited by Labcorp Genetics (formerly Invitae), Labcorp); PubMed 26780318 (cited by Labcorp Genetics (formerly Invitae), Labcorp); PubMed 9781034 (cited by Institute of Human Genetics, Univ. Regensburg, Univ. Regensburg); PubMed 25525159 (cited by Institute of Human Genetics, Univ. Regensburg, Univ. Regensburg).